The following is an entry in ClinVar:

NM_016292.3(TRAP1):c.1405C>T (p.Arg469Cys)

Genes: DNASE1 (deoxyribonuclease 1; plus strand), TRAP1 (TNF receptor associated protein 1; minus strand). Cytogenetic location: 16p13.3.
Variant type: single nucleotide variant.
Coding change: c.1405C>T on transcript NM_016292.3 (MANE Select); coding-DNA position 1405, C replaced by T.
Protein change: p.Arg469Cys; replaces arginine 469 with cysteine.
Molecular consequence: missense variant. On other transcripts: 3 prime UTR variant (1).
Genome position (GRCh38, 1-based): chr16:3,664,438, G>A on the plus strand (C>T on the coding strand, the complement: TRAP1 is on the minus strand). VCF-style: chr16-3664438-G-A. GRCh37 (hg19) VCF-style: chr16-3714439-G-A.
Other names: c.1246C>T, p.Arg416Cys (NM_001272049.2); c.*1814G>A (NM_001387140.1); short protein forms R416C, R469C.
Identifiers: ClinVar variation 1439952 (VCV001439952.7), dbSNP rs148549350, ClinGen allele CA7868097.

ClinVar aggregate classification (germline): Uncertain significance. Review status: criteria provided, multiple submitters, no conflicts (2 of 4 stars). 2 submissions from 2 submitters: Uncertain significance (2). Last evaluated 2026-01-19.

Allele frequency attached by ClinVar (database versions not stated): 1000 Genomes Project 30x 0.00031; 1000 Genomes Project 0.00020; TOPMed 0.00035; ESP Exome Variant Server 0.00046; ExAC 0.00059; gnomAD exomes 0.00043; gnomAD 0.00046.
gnomAD v4.1: 536 of 1,611,726 alleles (0.033%); highest among the groups gnomAD compares: Non-Finnish European, 0.039%; no homozygotes.

Submissions (2):

Labcorp Genetics (formerly Invitae), Labcorp
Classification: Uncertain significance. Last evaluated: 2026-01-19. Review status: criteria provided, single submitter. Criteria: Invitae Variant Classification Sherloc (09022015). Collection method: clinical testing. Allele origin: germline.
Comment: This sequence change replaces arginine, which is basic and polar, with cysteine, which is neutral and slightly polar, at codon 469 of the TRAP1 protein (p.Arg469Cys). This variant is present in population databases (rs148549350, gnomAD 0.09%), and has an allele count higher than expected for a pathogenic variant. This variant has not been reported in the literature in individuals affected with TRAP1-related conditions. ClinVar contains an entry for this variant (Variation ID: 1439952). Invitae Evidence Modeling of protein sequence and biophysical properties (such as structural, functional, and spatial information, amino acid conservation, physicochemical variation, residue mobility, and thermodynamic stability) has been performed for this missense variant. However, the output from this modeling did not meet the statistical confidence thresholds required to predict the impact of this variant on TRAP1 protein function. In summary, the available evidence is currently insufficient to determine the role of this variant in disease. Therefore, it has been classified as a Variant of Uncertain Significance.

Breakthrough Genomics
Classification: Uncertain significance. Review status: criteria provided, single submitter. Criteria: ACMG Guidelines, 2015. Collection method: not provided. Allele origin: germline. Inheritance: Unknown mechanism. Affected: yes.